The following is an entry in ClinVar:

ClinVar aggregate classification (germline): Uncertain significance (1 of 4 stars; one submission).

Submission:

GeneDx
Classification: Uncertain significance. Last evaluated: 2025-06-17. Review status: criteria provided, single submitter. Criteria: GeneDx Variant Classification Process June 2021. Collection method: clinical testing. Allele origin: germline. Affected: yes.
Comment: Not observed at significant frequency in large population cohorts (gnomAD); In silico analysis supports that this missense variant has a deleterious effect on protein structure/function; Has not been previously published as pathogenic or benign to our knowledge

NM_170606.3(KMT2C):c.13109C>T (p.Thr4370Ile)

Gene: KMT2C (lysine methyltransferase 2C; minus strand). Cytogenetic location: 7q36.1.
Variant type: single nucleotide variant.
Coding change: c.13109C>T on transcript NM_170606.3 (MANE Select); coding-DNA position 13109, C replaced by T.
Protein change: p.Thr4370Ile; replaces threonine 4370 with isoleucine.
Molecular consequence: missense variant.
Genome position (GRCh38, 1-based): chr7:152,148,818, G>A on the plus strand (C>T on the coding strand, the complement: KMT2C is on the minus strand). VCF-style: chr7-152148818-G-A. GRCh37 (hg19) VCF-style: chr7-151845903-G-A.
Other names: short protein forms T4370I.
Identifiers: ClinVar variation 4538884 (VCV004538884.1).